The following is an entry in ClinVar:

ClinVar aggregate classification (germline): Uncertain significance (1 of 4 stars; one submission).

Conditions:
Neuropathy, hereditary sensory and autonomic, type 2A (HSAN2A). Also called: ACROOSTEOLYSIS, GIACCAI TYPE; ACROOSTEOLYSIS, NEUROGENIC; MORVAN DISEASE; NEUROPATHY, CONGENITAL SENSORY; NEUROPATHY, HEREDITARY SENSORY RADICULAR, AUTOSOMAL RECESSIVE; NEUROPATHY, HEREDITARY SENSORY, TYPE IIA. Identifiers: Orphanet 970, MedGen C2752089, MONDO:0024309, OMIM 201300.
Generalized epilepsy with febrile seizures plus, type 7 (GEFSP7). Also called: GEFS+, TYPE 7. Identifiers: Orphanet 36387, MedGen C2751778, MONDO:0013470, OMIM 613863.

Submission:

Labcorp Genetics (formerly Invitae), Labcorp
Classification: Uncertain significance for Neuropathy, hereditary sensory and autonomic, type 2A; Generalized epilepsy with febrile seizures plus, type 7. Last evaluated: 2023-11-17. Review status: criteria provided, single submitter. Criteria: Invitae Variant Classification Sherloc (09022015). Collection method: clinical testing. Allele origin: germline.
Comment: This sequence change replaces threonine, which is neutral and polar, with proline, which is neutral and non-polar, at codon 1118 of the SCN9A protein (p.Thr1118Pro). This variant is not present in population databases (gnomAD no frequency). This variant has not been reported in the literature in individuals affected with SCN9A-related conditions. Advanced modeling of protein sequence and biophysical properties (such as structural, functional, and spatial information, amino acid conservation, physicochemical variation, residue mobility, and thermodynamic stability) has been performed at Invitae for this missense variant, however the output from this modeling did not meet the statistical confidence thresholds required to predict the impact of this variant on SCN9A protein function. In summary, the available evidence is currently insufficient to determine the role of this variant in disease. Therefore, it has been classified as a Variant of Uncertain Significance.

NM_001365536.1(SCN9A):c.3385A>C (p.Thr1129Pro)

Genes: SCN1A-AS1 (SCN1A and SCN9A antisense RNA 1; plus strand), SCN9A (sodium voltage-gated channel alpha subunit 9; minus strand). Cytogenetic location: 2q24.3.
Variant type: single nucleotide variant.
Coding change: c.3385A>C on transcript NM_001365536.1 (MANE Select); coding-DNA position 3385, A replaced by C.
Protein change: p.Thr1129Pro; replaces threonine 1129 with proline.
Molecular consequence: missense variant. On other transcripts: non-coding transcript variant (1).
Genome position (GRCh38, 1-based): chr2:166,251,852, T>G on the plus strand (A>C on the coding strand, the complement: SCN9A is on the minus strand). VCF-style: chr2-166251852-T-G. GRCh37 (hg19) VCF-style: chr2-167108362-T-G.
Other names: c.3352A>C, p.Thr1118Pro (NM_002977.4); short protein forms T1129P, T1118P.
Identifiers: ClinVar variation 2948000 (VCV002948000.3), dbSNP rs2467904546, ClinGen allele CA349072067.
Genomic context (GRCh38, chr2:166,251,852, plus strand): 5'-CGGAATTCATAGGTTCAGCCTCTGCTTCTTCTCCTTCTCCAGGCAAAGGGTTATCAACTG[T>G]GCTGCACTCTGAGGAGCTTGACCGGTTTAATCTCTAGAAAGGAATTCACCACCCCACCAG-3'
Protein context (NP_001352465.1, residues 1119-1139): LNRSSSSECS[Thr1129Pro]VDNPLPGEGE